The following is an entry in ClinVar:

ClinVar aggregate classification (germline): Uncertain significance (1 of 4 stars; one submission).

Allele frequency attached by ClinVar (database versions not stated): gnomAD exomes below 0.00001; TOPMed below 0.00001; gnomAD 0.00001.
gnomAD v4.1: 4 of 1,612,908 alleles (0.00025%); highest among the groups gnomAD compares: Admixed American, 0.0033%; no homozygotes.

Submission:

Labcorp Genetics (formerly Invitae), Labcorp
Classification: Uncertain significance. Last evaluated: 2020-09-04. Review status: criteria provided, single submitter. Criteria: Invitae Variant Classification Sherloc (09022015). Collection method: clinical testing. Allele origin: germline.
Comment: This variant is not present in population databases (ExAC no frequency). This variant has not been reported in the literature in individuals with TUBGCP6-related conditions. This sequence change replaces histidine with tyrosine at codon 1656 of the TUBGCP6 protein (p.His1656Tyr). The histidine residue is weakly conserved and there is a moderate physicochemical difference between histidine and tyrosine. Algorithms developed to predict the effect of missense changes on protein structure and function are either unavailable or do not agree on the potential impact of this missense change (SIFT: "Tolerated"; PolyPhen-2: "Possibly Damaging"; Align-GVGD: "Class C0"). In summary, the available evidence is currently insufficient to determine the role of this variant in disease. Therefore, it has been classified as a Variant of Uncertain Significance.

NM_020461.4(TUBGCP6):c.4966C>T (p.His1656Tyr)

Gene: TUBGCP6 (tubulin gamma complex component 6; minus strand). Cytogenetic location: 22q13.33.
Variant type: single nucleotide variant.
Coding change: c.4966C>T on transcript NM_020461.4 (MANE Select); coding-DNA position 4966, C replaced by T.
Protein change: p.His1656Tyr; replaces histidine 1656 with tyrosine.
Molecular consequence: missense variant.
Genome position (GRCh38, 1-based): chr22:50,218,391, G>A on the plus strand (C>T on the coding strand, the complement: TUBGCP6 is on the minus strand). VCF-style: chr22-50218391-G-A. GRCh37 (hg19) VCF-style: chr22-50656820-G-A.
Other names: short protein forms H1656Y.
Identifiers: ClinVar variation 1004687 (VCV001004687.8), dbSNP rs1466573618, ClinGen allele CA412164972.